The following is an entry in ClinVar:

ClinVar aggregate classification (germline): Benign. Review status: reviewed by expert panel (3 of 4 stars). 15 submissions from 15 submitters: Benign (1). 14 of the submissions do not count toward it. Last evaluated 2020-01-23.

Conditions:
Cardiovascular phenotype. Identifiers: MedGen CN230736.
Glycogen storage disease, type II (IOPD). Also called: POMPE DISEASE, INFANTILE-ONSET; GLYCOGEN STORAGE DISEASE II, INFANTILE-ONSET; ACID ALPHA-GLUCOSIDASE DEFICIENCY, INFANTILE-ONSET; GAA DEFICIENCY, INFANTILE-ONSET; ACID MALTASE DEFICIENCY, INFANTILE-ONSET; Pompe Disease. Identifiers: Orphanet 365, MedGen C0017921, MONDO:0009290, OMIM 232300.

Allele frequency attached by ClinVar (database versions not stated): gnomAD exomes 0.02914 and 0.04975; TOPMed 0.05972; ExAC 0.06040; 1000 Genomes Project 30x 0.10306; ESP Exome Variant Server 0.05438; gnomAD 0.05752 and 0.06002; 1000 Genomes Project 0.10184.
gnomAD v4.1: 52,058 of 1,611,674 alleles (3.2%); highest among the groups gnomAD compares: African/African-American, 14%; 2,449 homozygotes.

Submissions (15):

ClinGen Lysosomal Storage Disorder Variant Curation Expert Panel
Classification: Benign for Glycogen storage disease, type II. Last evaluated: 2020-01-23. Review status: reviewed by expert panel. Criteria: ClinGen LSD ACMG Specifications v1. Collection method: curation. Allele origin: germline. Inheritance: Autosomal recessive inheritance.
Comment: The highest continental population minor allele frequency for c.2446G>A (p.Val816Ile) in gnomAD v2.1.1 is 0.14249 in the African population. This is higher than the ClinGen LSD VCEP's BA1 threshold (>0.01), therefore meeting the BA1 criterion. There is a ClinVar entry for this variant (Variation ID: 92477; 2 star review status) with four submitters classifying the variant as benign, and two as likely benign. In summary, this variant meets the criteria to be classified as benign for Pompe disease. GAA-specific ACMG/AMP criteria applied, as specified by the ClinGen LSD VCEP: BA1.

Genomenon, Inc
Classification: Benign for Glycogen storage disease, type II. Last evaluated: 2026-07-01. Review status: criteria provided, single submitter. Criteria: Genomenon Sequence Variant Interpretation Standards - Updated. Collection method: curation. Allele origin: germline. Affected: no. Not counted in ClinVar's aggregate classification.
Comment: GAA p.Val816Ile (c.2446G>A) is a missense variant that changes the amino acid at codon 816 from Valine to Isoleucine. This variant is present at high allele frequency in population databases. We classify GAA p.Val816Ile (c.2446G>A) as a benign variant.

Labcorp Genetics (formerly Invitae), Labcorp
Classification: Benign for Glycogen storage disease, type II. Last evaluated: 2026-02-04. Review status: criteria provided, single submitter. Criteria: Invitae Variant Classification Sherloc (09022015). Collection method: clinical testing. Allele origin: germline. Not counted in ClinVar's aggregate classification.

Blueprint Genetics
Classification: Benign. Last evaluated: 2024-11-27. Review status: criteria provided, single submitter. Criteria: ACMG Guidelines, 2015. Collection method: clinical testing. Allele origin: germline. Not counted in ClinVar's aggregate classification.

Genome-Nilou Lab
Classification: Benign for Glycogen storage disease, type II. Last evaluated: 2021-06-10. Review status: criteria provided, single submitter. Criteria: ACMG Guidelines, 2015. Collection method: clinical testing. Allele origin: germline. Affected: no. Not counted in ClinVar's aggregate classification.

Ambry Genetics
Classification: Benign for Cardiovascular phenotype. Last evaluated: 2019-07-24. Review status: criteria provided, single submitter. Criteria: Ambry Variant Classification Scheme 2023. Collection method: clinical testing. Allele origin: germline. Not counted in ClinVar's aggregate classification.

Illumina Laboratory Services, Illumina
Classification: Benign for Glycogen storage disease, type II. Last evaluated: 2018-01-12. Review status: criteria provided, single submitter. Criteria: ICSL Variant Classification Criteria 13 December 2019. Collection method: clinical testing. Allele origin: germline. Not counted in ClinVar's aggregate classification.
Comment: This variant was observed in the ICSL laboratory as part of a predisposition screen in an ostensibly healthy population. It had not been previously curated by ICSL or reported in the Human Gene Mutation Database (HGMD: prior to June 1st, 2018), and was therefore a candidate for classification through an automated scoring system. Utilizing variant allele frequency, disease prevalence and penetrance estimates, and inheritance mode, an automated score was calculated to assess if this variant is too frequent to cause the disease. Based on the score and internal cut-off values, a variant classified as benign is not then subjected to further curation. The score for this variant resulted in a classification of benign for this disease.

Phosphorus, Inc.
Classification: Benign for Glycogen storage disease, type II. Last evaluated: 2017-08-01. Review status: criteria provided, single submitter. Criteria: ACMG Guidelines, 2015. Collection method: clinical testing. Allele origin: germline. Observed: 2 variant alleles. Not counted in ClinVar's aggregate classification.

GeneDx
Classification: Benign. Last evaluated: 2015-03-03. Review status: criteria provided, single submitter. Criteria: GeneDx Variant Classification Process June 2021. Collection method: clinical testing. Allele origin: germline. Affected: yes. Not counted in ClinVar's aggregate classification.
Comment: This variant is associated with the following publications: (PMID: 1684505, 25681614, 25526786, 17210890, 8486380, 8094613)

Eurofins Ntd Llc (ga)
Classification: Benign. Last evaluated: 2013-08-13. Review status: criteria provided, single submitter. Criteria: EGL Classification Definitions 2015. Collection method: clinical testing. Allele origin: germline. Observed: 11 variant alleles, 10 heterozygotes, 1 homozygote. Not counted in ClinVar's aggregate classification.

Breakthrough Genomics
Classification: Benign. Review status: criteria provided, single submitter. Criteria: ACMG Guidelines, 2015. Collection method: not provided. Allele origin: germline. Inheritance: Autosomal recessive inheritance. Affected: yes. Not counted in ClinVar's aggregate classification.

PreventionGenetics, part of Exact Sciences
Classification: Benign. Review status: criteria provided, single submitter. Criteria: ACMG Guidelines, 2015. Collection method: clinical testing. Allele origin: germline. Not counted in ClinVar's aggregate classification.

Natera, Inc.
Classification: Benign for Glycogen storage disease type II. Last evaluated: 2019-11-22. Review status: no assertion criteria provided. Collection method: clinical testing. Allele origin: germline. Not counted in ClinVar's aggregate classification.

Mayo Clinic Laboratories, Mayo Clinic
Classification: Benign. Last evaluated: 2017-05-17. Review status: no assertion criteria provided. Collection method: clinical testing. Allele origin: unknown. Not counted in ClinVar's aggregate classification.

Genetic Services Laboratory, University of Chicago
Classification: Likely benign for AllHighlyPenetrant. Review status: no assertion criteria provided. Collection method: clinical testing. Allele origin: germline. Inheritance: Autosomal recessive inheritance. Not counted in ClinVar's aggregate classification.
Comment: Likely benign based on allele frequency in 1000 Genomes Project or ESP global frequency and its presence in a patient with a rare or unrelated disease phenotype. NOT Sanger confirmed.

Literature cited by the submitters: PubMed 22676651 (cited by Phosphorus, Inc.); PubMed 23757202 (cited by Phosphorus, Inc.); PubMed 25526786 (cited by Phosphorus, Inc.).

NM_000152.5(GAA):c.2446G>A (p.Val816Ile)

Gene: GAA (alpha glucosidase; plus strand). Cytogenetic location: 17q25.3.
Variant type: single nucleotide variant.
Coding change: c.2446G>A on transcript NM_000152.5 (MANE Select); coding-DNA position 2446, G replaced by A.
Protein change: p.Val816Ile; replaces valine 816 with isoleucine.
Molecular consequence: missense variant.
Genome position (GRCh38, 1-based): chr17:80,117,714, G>A. VCF-style: chr17-80117714-G-A. GRCh37 (hg19) VCF-style: chr17-78091513-G-A.
Other names: c.2446G>A, p.Val816Ile (NM_001079803.3, NM_001079804.3, LRG_673t1); short protein forms V816I.
Identifiers: ClinVar variation 92477 (VCV000092477.42), dbSNP rs1800314, ClinGen allele CA145772.